The following is an entry in ClinVar:

ClinVar aggregate classification (germline): Likely benign. Review status: criteria provided, multiple submitters, no conflicts (2 of 4 stars). 2 submissions from 2 submitters: Likely benign (2). Last evaluated 2024-05-20.

Allele frequency attached by ClinVar (database versions not stated): TOPMed 0.00001.
gnomAD v4.1: 2 of 1,551,080 alleles (0.00013%); highest among the groups gnomAD compares: Middle Eastern, 0.017%; no homozygotes.

Submissions (2):

Women's Health and Genetics/Laboratory Corporation of America, LabCorp
Classification: Likely benign. Last evaluated: 2024-05-20. Review status: criteria provided, single submitter. Criteria: LabCorp Variant Classification Summary - May 2015. Collection method: clinical testing. Allele origin: germline.
Comment: Variant summary: CERT1 c.18C>T results in a synonymous change. Consensus agreement among computation tools predict no significant impact on normal splicing. However, these predictions have yet to be confirmed by functional studies. The variant allele was found at a frequency of 6.4e-06 in 155278 control chromosomes. The available data on variant occurrences in the general population are insufficient to allow any conclusion about variant significance. To our knowledge, no occurrence of c.18C>T in individuals affected with Intellectual Disability, Autosomal Dominant 34 and no experimental evidence demonstrating its impact on protein function have been reported. ClinVar contains an entry for this variant (Variation ID: 749193). Based on the evidence outlined above, the variant was classified as likely benign.

Labcorp Genetics (formerly Invitae), Labcorp
Classification: Likely benign. Last evaluated: 2018-05-31. Review status: criteria provided, single submitter. Criteria: Invitae Variant Classification Sherloc (09022015). Collection method: clinical testing. Allele origin: germline.

NM_001130105.1(CERT1):c.18C>T (p.Ile6=)

Genes: CERT1 (ceramide transporter 1; minus strand), POLK (DNA polymerase kappa; plus strand), LOC129994075 (ATAC-STARR-seq lymphoblastoid active region 22681; plus strand). Cytogenetic location: 5q13.3.
Variant type: single nucleotide variant.
Coding change: c.18C>T on transcript NM_001130105.1; coding-DNA position 18, C replaced by T.
Protein change: p.Ile6=; no amino-acid change (isoleucine 6 retained).
Molecular consequence: synonymous variant.
Genome position (GRCh38, 1-based): chr5:75,511,827, G>A on the plus strand (C>T on the coding strand, the complement: CERT1 is on the minus strand). VCF-style: chr5-75511827-G-A. GRCh37 (hg19) VCF-style: chr5-74807652-G-A.
Other names: c.-101G>A (NM_016218.3).
Identifiers: ClinVar variation 749193 (VCV000749193.6), dbSNP rs1447214575, ClinGen allele CA444684201.
Genomic context (GRCh38, chr5:75,511,827, plus strand): 5'-CTCCCGGGTGACGACGGGTAGAAAAGCAGGAGGAGCGGAGAAAGGAGAGGGCGGGGTAGG[G>A]ATGCAGCTGTGCTGCATTCTGGGAAGGGCGTTGGTCCGTCGCTCGCGCAGCCTCCTGGGA-3'